The following is an entry in ClinVar:

ClinVar aggregate classification (germline): Conflicting classifications of pathogenicity. Review status: criteria provided, conflicting classifications (1 of 4 stars). 6 submissions from 6 submitters: Uncertain significance (3); Benign (1); Likely benign (2). Last evaluated 2026-01-26.

Conditions:
COL6A2-related disorder.
Bethlem myopathy 1A. Also called: MYOPATHY, BENIGN CONGENITAL, WITH CONTRACTURES; Bethlem myopathy 1; Bethlem Muscular Dystrophy. Identifiers: Orphanet 610, MedGen CN029274, MONDO:0024530, OMIM 158810.
Collagen 6-related myopathy. Identifiers: MedGen CN117976, MONDO:0100225.

Allele frequency attached by ClinVar (database versions not stated): gnomAD 0.00005 and 0.00006; gnomAD exomes 0.00007 and 0.00009; TOPMed 0.00007; ESP Exome Variant Server 0.00015; ExAC 0.00022.
gnomAD v4.1: 140 of 1,580,846 alleles (0.0089%); highest among the groups gnomAD compares: Middle Eastern, 0.017%; no homozygotes.

Submissions (6):

PreventionGenetics, part of Exact Sciences
Classification: Uncertain significance for COL6A2-related condition. Last evaluated: 2026-01-26. Review status: criteria provided, single submitter. Criteria: ACMG Guidelines, 2015. Collection method: clinical testing. Allele origin: germline.
Comment: The COL6A2 c.2707G>A variant is predicted to result in the amino acid substitution p.Glu903Lys. To our knowledge, this variant has not been reported in the literature. This variant is reported in 0.013% of alleles in individuals of Latino descent in gnomAD. At this time, the clinical significance of this variant is uncertain due to the absence of conclusive functional and genetic evidence.

Labcorp Genetics (formerly Invitae), Labcorp
Classification: Likely benign for Bethlem myopathy 1A. Last evaluated: 2025-07-23. Review status: criteria provided, single submitter. Criteria: Invitae Variant Classification Sherloc (09022015). Collection method: clinical testing. Allele origin: germline.

Revvity Omics, Revvity
Classification: Uncertain significance. Last evaluated: 2023-03-27. Review status: criteria provided, single submitter. Criteria: ACMG Guidelines, 2015. Collection method: clinical testing. Allele origin: germline.

Institute for Clinical Genetics, University Hospital TU Dresden, University Hospital TU Dresden
Classification: Likely benign. Last evaluated: 2021-11-03. Review status: criteria provided, single submitter. Criteria: ACMG Guidelines, 2015. Collection method: clinical testing. Allele origin: germline.

Illumina Laboratory Services, Illumina
Classification: Benign for Collagen VI-related myopathy. Last evaluated: 2018-01-12. Review status: criteria provided, single submitter. Criteria: ICSL Variant Classification Criteria 13 December 2019. Collection method: clinical testing. Allele origin: germline.
Comment: This variant was observed in the ICSL laboratory as part of a predisposition screen in an ostensibly healthy population. It had not been previously curated by ICSL or reported in the Human Gene Mutation Database (HGMD: prior to June 1st, 2018), and was therefore a candidate for classification through an automated scoring system. Utilizing variant allele frequency, disease prevalence and penetrance estimates, and inheritance mode, an automated score was calculated to assess if this variant is too frequent to cause the disease. Based on the score and internal cut-off values, a variant classified as benign is not then subjected to further curation. The score for this variant resulted in a classification of benign for this disease.

Eurofins Ntd Llc (ga)
Classification: Uncertain significance. Last evaluated: 2016-06-07. Review status: criteria provided, single submitter. Criteria: EGL Classification Definitions 2015. Collection method: clinical testing. Allele origin: germline. Observed: 1 variant allele, 1 heterozygote.

NM_001849.4(COL6A2):c.2707G>A (p.Glu903Lys)

Gene: COL6A2 (collagen type VI alpha 2 chain; plus strand). Cytogenetic location: 21q22.3.
Variant type: single nucleotide variant.
Coding change: c.2707G>A on transcript NM_001849.4 (MANE Select); coding-DNA position 2707, G replaced by A.
Protein change: p.Glu903Lys; replaces glutamic acid 903 with lysine.
Molecular consequence: missense variant.
Genome position (GRCh38, 1-based): chr21:46,132,199, G>A. VCF-style: chr21-46132199-G-A. GRCh37 (hg19) VCF-style: chr21-47552113-G-A.
Other names: short protein forms E903K.
Identifiers: ClinVar variation 288305 (VCV000288305.27), dbSNP rs373611722, ClinGen allele CA10072983.